The following is an entry in ClinVar:

ClinVar aggregate classification (germline): Uncertain significance (1 of 4 stars; one submission).

Submission:

Labcorp Genetics (formerly Invitae), Labcorp
Classification: Uncertain significance. Last evaluated: 2024-05-29. Review status: criteria provided, single submitter. Criteria: Invitae Variant Classification Sherloc (09022015). Collection method: clinical testing. Allele origin: germline.
Comment: This sequence change replaces aspartic acid, which is acidic and polar, with histidine, which is basic and polar, at codon 2615 of the CPLANE1 protein (p.Asp2615His). This variant is not present in population databases (gnomAD no frequency). This variant has not been reported in the literature in individuals affected with CPLANE1-related conditions. ClinVar contains an entry for this variant (Variation ID: 1368451). Advanced modeling of protein sequence and biophysical properties (such as structural, functional, and spatial information, amino acid conservation, physicochemical variation, residue mobility, and thermodynamic stability) performed at Invitae indicates that this missense variant is not expected to disrupt CPLANE1 protein function with a negative predictive value of 95%. In summary, the available evidence is currently insufficient to determine the role of this variant in disease. Therefore, it has been classified as a Variant of Uncertain Significance.

NM_001384732.1(CPLANE1):c.7897G>C (p.Asp2633His)

Gene: CPLANE1 (ciliogenesis and planar polarity effector complex subunit 1; minus strand). Cytogenetic location: 5p13.2.
Variant type: single nucleotide variant.
Coding change: c.7897G>C on transcript NM_001384732.1 (MANE Select); coding-DNA position 7897, G replaced by C.
Protein change: p.Asp2633His; replaces aspartic acid 2633 with histidine.
Molecular consequence: missense variant.
Genome position (GRCh38, 1-based): chr5:37,157,784, C>G on the plus strand (G>C on the coding strand, the complement: CPLANE1 is on the minus strand). VCF-style: chr5-37157784-C-G. GRCh37 (hg19) VCF-style: chr5-37157886-C-G.
Other names: c.7843G>C, p.Asp2615His (NM_023073.4); short protein forms D2615H, D2633H.
Identifiers: ClinVar variation 1368451 (VCV001368451.8), dbSNP rs2150711236, ClinGen allele CA359474855.